The following is an entry in ClinVar:

NM_001918.5(DBT):c.939G>C (p.Lys313Asn)

Gene: DBT (dihydrolipoamide branched chain transacylase E2; minus strand). Cytogenetic location: 1p21.2.
Variant type: single nucleotide variant.
Coding change: c.939G>C on transcript NM_001918.5 (MANE Select); coding-DNA position 939, G replaced by C.
Protein change: p.Lys313Asn; replaces lysine 313 with asparagine.
Molecular consequence: missense variant.
Genome position (GRCh38, 1-based): chr1:100,214,817, C>G on the plus strand (G>C on the coding strand, the complement: DBT is on the minus strand). VCF-style: chr1-100214817-C-G. GRCh37 (hg19) VCF-style: chr1-100680373-C-G.
Other names: short protein forms K313N.
Identifiers: ClinVar variation 94017 (VCV000094017.20), dbSNP rs398123676, ClinGen allele CA221905.

ClinVar aggregate classification (germline): Pathogenic. Review status: criteria provided, multiple submitters, no conflicts (2 of 4 stars). 8 submissions from 8 submitters: Pathogenic (7). 1 of the submissions does not count toward it. Last evaluated 2024-12-19.

Conditions:
Maple syrup urine disease type 1A (MSUD1A). Also called: MSUD type 1A. Identifiers: MedGen C1855369, MONDO:0023691, OMIM 248600.
Maple syrup urine disease type 2 (MSUD2). Also called: Maple syrup urine disease, type II. Identifiers: MedGen C1855371, MONDO:0023693, OMIM 620699.
Maple syrup urine disease (MSUD). Identifiers: Orphanet 511, MedGen C0024776, MeSH D008375, MONDO:0009563. Disease mechanism: loss of function.

Allele frequency attached by ClinVar (database versions not stated): gnomAD exomes below 0.00001 and 0.00001; ExAC 0.00002.
gnomAD v4.1: 6 of 1,613,846 alleles (0.00037%); highest among the groups gnomAD compares: South Asian, 0.0055%; no homozygotes.

Submissions (8):

Genomic Medicine Center of Excellence, King Faisal Specialist Hospital and Research Centre
Classification: Pathogenic for Maple syrup urine disease type 2. Last evaluated: 2024-12-19. Review status: criteria provided, single submitter. Criteria: ACMG Guidelines, 2015. Collection method: clinical testing. Allele origin: germline.

Women's Health and Genetics/Laboratory Corporation of America, LabCorp
Classification: Pathogenic for Maple syrup urine disease. Last evaluated: 2023-10-04. Review status: criteria provided, single submitter. Criteria: LabCorp Variant Classification Summary - May 2015. Collection method: clinical testing. Allele origin: germline.
Comment: Variant summary: DBT c.939G>C (p.Lys313Asn) results in a non-conservative amino acid change located in the 2-oxoacid dehydrogenase acyltransferase, catalytic domain (IPR001078) of the encoded protein sequence. Five of five in-silico tools predict a damaging effect of the variant on protein function. Several computational tools predict a significant impact on normal splicing: Two predict the variant abolishes a canonical 5' splicing donor site and two predict the variant weakens the same canonical 5' donor site. However, these predictions have yet to be confirmed by functional studies. The variant allele was found at a frequency of 1.2e-05 in 251402 control chromosomes (gnomAD). c.939G>C has been reported in the literature as a biallelic genotype in multiple individuals affected with Maple Syrup Urine Disease (Quental_2008, Gupta_2015, Cheema_2020, Strauss_2020). These data indicate that the variant is very likely to be associated with disease. To our knowledge, no experimental evidence demonstrating an impact on protein function has been reported. The following publications have been ascertained in the context of this evaluation (PMID: 33083013, 26257134, 18378174, 31980395). Three ClinVar submitters have assessed the variant since 2014: one classified the variant as likely pathogenic and two as pathogenic. Based on the evidence outlined above, the variant was classified as pathogenic.

Labcorp Genetics (formerly Invitae), Labcorp
Classification: Pathogenic for Maple syrup urine disease. Last evaluated: 2023-01-17. Review status: criteria provided, single submitter. Criteria: Invitae Variant Classification Sherloc (09022015). Collection method: clinical testing. Allele origin: germline.
Comment: This variant is present in population databases (rs398123676, gnomAD 0.01%). This sequence change replaces lysine, which is basic and polar, with asparagine, which is neutral and polar, at codon 313 of the DBT protein (p.Lys313Asn). This variant also falls at the last nucleotide of exon 7, which is part of the consensus splice site for this exon. This missense change has been observed in individuals with maple syrup urine disease (PMID: 18378174, 26257134). ClinVar contains an entry for this variant (Variation ID: 94017). Algorithms developed to predict the effect of missense changes on protein structure and function are either unavailable or do not agree on the potential impact of this missense change (SIFT: "Deleterious"; PolyPhen-2: "Probably Damaging"; Align-GVGD: "Class C0"). Variants that disrupt the consensus splice site are a relatively common cause of aberrant splicing (PMID: 17576681, 9536098). Algorithms developed to predict the effect of sequence changes on RNA splicing suggest that this variant may disrupt the consensus splice site. For these reasons, this variant has been classified as Pathogenic.

Genome-Nilou Lab
Classification: Pathogenic for Maple syrup urine disease type 1A. Last evaluated: 2021-11-07. Review status: criteria provided, single submitter. Criteria: ACMG Guidelines, 2015. Collection method: clinical testing. Allele origin: germline. Affected: no.

Eurofins Ntd Llc (ga)
Classification: Pathogenic. Last evaluated: 2013-09-04. Review status: criteria provided, single submitter. Criteria: EGL Classification Definitions. Collection method: clinical testing. Allele origin: germline. Observed: 3 variant alleles, 2 heterozygotes, 1 homozygote.

Institute of Medical Genetics and Genomics, Sir Ganga Ram Hospital
Classification: Pathogenic for Maple syrup urine disease type 1A. Last evaluated: 2013-01-01. Review status: criteria provided, single submitter. Criteria: Submitter's publication. Collection method: research. Allele origin: germline. Affected: yes. Observed: 3 variant alleles.
Comment: homozygous in 2 patients and hetrozygous in one

CENTOGENE GmbH and LLC - Guiding Precision Medicine
Classification: Pathogenic for Maple syrup urine disease type II. Review status: criteria provided, single submitter. Criteria: ACMG Guidelines, 2015. Collection method: clinical testing. Allele origin: germline. Affected: yes.

Counsyl
Classification: Likely pathogenic for Maple syrup urine disease type 1A. Last evaluated: 2017-05-16. Review status: no assertion criteria provided. Collection method: clinical testing. Allele origin: unknown. Not counted in ClinVar's aggregate classification.

Literature cited by the submitters: PubMed 18378174 (cited by 4 submitters); PubMed 26257134 (cited by 3 submitters); PubMed 31980395 (cited by Women's Health and Genetics/Laboratory Corporation of America, LabCorp); PubMed 33083013 (cited by Women's Health and Genetics/Laboratory Corporation of America, LabCorp); PubMed 17576681 (cited by Labcorp Genetics (formerly Invitae), Labcorp); PubMed 9536098 (cited by Labcorp Genetics (formerly Invitae), Labcorp).